The following is an entry in ClinVar:

ClinVar aggregate classification (germline): Uncertain significance (1 of 4 stars; one submission).

Conditions:
Autosomal recessive limb-girdle muscular dystrophy type 2K. Also called: MUSCULAR DYSTROPHY-DYSTROGLYCANOPATHY (LIMB-GIRDLE), TYPE C, 1; MUSCULAR DYSTROPHY, LIMB-GIRDLE, TYPE 2K. Identifiers: Orphanet 86812, MedGen C1836373, MONDO:0012248, OMIM 609308.
Muscular dystrophy-dystroglycanopathy (congenital with impaired intellectual development), type B, 1. Also called: Muscular dystrophy-dystroglycanopathy (congenital with intellectual disability), type B1; MUSCULAR DYSTROPHY, CONGENITAL, POMT1-RELATED. Identifiers: MedGen C5436962, MONDO:0013159, OMIM 613155.
Walker-Warburg congenital muscular dystrophy. Also called: Muscular dystrophy-dystroglycanopathy, type A; Walker-Warburg syndrome. Identifiers: Orphanet 899, MedGen C0265221, MONDO:0000171.

Allele frequency attached by ClinVar (database versions not stated): gnomAD exomes below 0.00001.

Submission:

Labcorp Genetics (formerly Invitae), Labcorp
Classification: Uncertain significance for Muscular dystrophy-dystroglycanopathy (congenital with impaired intellectual development), type B, 1; Walker-Warburg congenital muscular dystrophy; Autosomal recessive limb-girdle muscular dystrophy type 2K. Last evaluated: 2017-07-16. Review status: criteria provided, single submitter. Criteria: Invitae Variant Classification Sherloc (09022015). Collection method: clinical testing. Allele origin: germline.
Comment: In summary, the available evidence is currently insufficient to determine the role of this variant in disease. Therefore, it has been classified as a Variant of Uncertain Significance. Algorithms developed to predict the effect of missense changes on protein structure and function (SIFT, PolyPhen-2, Align-GVGD) all suggest that this variant is likely to be disruptive, but these predictions have not been confirmed by published functional studies and their clinical significance is uncertain. This variant has not been reported in the literature in individuals with POMT1-related disease. This variant is not present in population databases (ExAC no frequency). This sequence change replaces serine with proline at codon 52 of the POMT1 protein (p.Ser52Pro). The serine residue is highly conserved and there is a moderate physicochemical difference between serine and proline.

NM_001077365.2(POMT1):c.154T>C (p.Ser52Pro)

Gene: POMT1 (protein O-mannosyltransferase 1; plus strand). Cytogenetic location: 9q34.13.
Variant type: single nucleotide variant.
Coding change: c.154T>C on transcript NM_001077365.2 (MANE Select); coding-DNA position 154, T replaced by C.
Protein change: p.Ser52Pro; replaces serine 52 with proline.
Molecular consequence: missense variant. On other transcripts: 5 prime UTR variant (6), non-coding transcript variant (7), intron variant (8).
Genome position (GRCh38, 1-based): chr9:131,506,145, T>C. VCF-style: chr9-131506145-T-C. GRCh37 (hg19) VCF-style: chr9-134381532-T-C.
Other names: c.-9T>C (NM_001077366.2, NM_001353194.2, NM_001353197.2 and 3 more transcripts); c.154T>C, p.Ser52Pro (NM_001136113.2, NM_001353193.2, NM_001374690.1 and 1 more transcripts); c.-71-1223T>C (NM_001374691.1, NM_001374692.1); c.123-258T>C (NM_001353196.2); c.-122-258T>C (NM_001353195.2, NM_001353199.2, NM_001136114.2); c.-30+1805T>C (NM_001374695.1); c.-80-258T>C (NM_001353200.2); short protein forms S52P.
Identifiers: ClinVar variation 471378 (VCV000471378.9), dbSNP rs1554771665, ClinGen allele CA375305598.